The following is an entry in ClinVar:

ClinVar aggregate classification (germline): Conflicting classifications of pathogenicity. Review status: criteria provided, conflicting classifications (1 of 4 stars). 3 submissions from 3 submitters: Uncertain significance (1); Benign (1); Likely benign (1). Last evaluated 2025-12-24.

Conditions:
CHARGE syndrome (CHARGE). Also called: Coloboma, heart anomaly, choanal atresia, retardation, genital and ear anomalies; CHARGE association; Hall-Hittner syndrome; Hittner Hirsch Kreh syndrome; CHARGE ASSOCIATION--COLOBOMA, HEART ANOMALY, CHOANAL ATRESIA, RETARDATION, GENITAL AND EAR ANOMALIES. Identifiers: Orphanet 138, MedGen C0265354, MONDO:0008965.

Allele frequency attached by ClinVar (database versions not stated): gnomAD exomes 0.00001 and 0.00003; ExAC 0.00004; TOPMed 0.00004; 1000 Genomes Project 30x 0.00016; 1000 Genomes Project 0.00020.
gnomAD v4.1: 13 of 1,607,836 alleles (0.00081%); highest among the groups gnomAD compares: East Asian, 0.02%; no homozygotes.

Submissions (3):

Labcorp Genetics (formerly Invitae), Labcorp
Classification: Benign for CHARGE syndrome. Last evaluated: 2025-12-24. Review status: criteria provided, single submitter. Criteria: Invitae Variant Classification Sherloc (09022015). Collection method: clinical testing. Allele origin: germline.

Revvity Omics, Revvity
Classification: Uncertain significance. Last evaluated: 2021-07-27. Review status: criteria provided, single submitter. Criteria: ACMG Guidelines, 2015. Collection method: clinical testing. Allele origin: germline.

GeneDx
Classification: Likely benign. Last evaluated: 2020-10-05. Review status: criteria provided, single submitter. Criteria: GeneDx Variant Classification Process June 2021. Collection method: clinical testing. Allele origin: germline. Affected: yes.
Comment: See Variant Classification Assertion Criteria.

NM_017780.4(CHD7):c.7170T>G (p.Asp2390Glu)

Gene: CHD7 (chromodomain helicase DNA binding protein 7; plus strand). Cytogenetic location: 8q12.2.
Variant type: single nucleotide variant.
Coding change: c.7170T>G on transcript NM_017780.4 (MANE Select); coding-DNA position 7170, T replaced by G.
Protein change: p.Asp2390Glu; replaces aspartic acid 2390 with glutamic acid.
Molecular consequence: missense variant. On other transcripts: intron variant (1).
Genome position (GRCh38, 1-based): chr8:60,856,450, T>G. VCF-style: chr8-60856450-T-G. GRCh37 (hg19) VCF-style: chr8-61769009-T-G.
Other names: c.1717-5779T>G (NM_001316690.1); short protein forms D2390E.
Identifiers: ClinVar variation 651924 (VCV000651924.12), dbSNP rs199966549, ClinGen allele CA4760766.